The following is an entry in ClinVar:

NM_003848.4(SUCLG2):c.1166del (p.Leu389fs)

Gene: SUCLG2 (succinate-CoA ligase GDP-forming subunit beta; minus strand). Cytogenetic location: 3p14.1.
Variant type: Deletion.
Coding change: c.1166del on transcript NM_003848.4 (MANE Select); coding-DNA position 1166, one base deleted (T; older notation c.1166delT).
Protein change: p.Leu389fs; shifts the reading frame from leucine 389.
Molecular consequence: frameshift variant.
Genome position (GRCh38, 1-based): chr3:67,400,748, A deleted on the plus strand (T on the coding strand, the reverse complement: SUCLG2 is on the minus strand). VCF-style (leftmost placement, unchanged base first): chr3-67400747-CA-C. GRCh37 (hg19) VCF-style: chr3-67451171-CA-C.
Other names: c.1166del, p.Leu389fs (NM_001177599.2); short protein forms L389fs.
Identifiers: ClinVar variation 3679529 (VCV003679529.2).

ClinVar aggregate classification (germline): Uncertain significance (1 of 4 stars; one submission).

Submission:

Labcorp Genetics (formerly Invitae), Labcorp
Classification: Uncertain significance. Last evaluated: 2024-07-15. Review status: criteria provided, single submitter. Criteria: Invitae Variant Classification Sherloc (09022015). Collection method: clinical testing. Allele origin: germline.
Comment: This sequence change creates a premature translational stop signal (p.Leu389Argfs*19) in the SUCLG2 gene. While this is not anticipated to result in nonsense mediated decay, it is expected to disrupt the last 52 amino acid(s) of the SUCLG2 protein. This variant is present in population databases (rs768312588, gnomAD 0.002%). This variant has not been reported in the literature in individuals affected with SUCLG2-related conditions. Experimental studies and prediction algorithms are not available or were not evaluated, and the functional significance of this variant is currently unknown. In summary, the available evidence is currently insufficient to determine the role of this variant in disease. Therefore, it has been classified as a Variant of Uncertain Significance.